The following is an entry in ClinVar:

NM_001042492.3(NF1):c.6023A>G (p.Asp2008Gly)

Gene: NF1 (neurofibromin 1; plus strand). Cytogenetic location: 17q11.2.
Variant type: single nucleotide variant.
Coding change: c.6023A>G on transcript NM_001042492.3 (MANE Select); coding-DNA position 6023, A replaced by G.
Protein change: p.Asp2008Gly; replaces aspartic acid 2008 with glycine.
Molecular consequence: missense variant.
Genome position (GRCh38, 1-based): chr17:31,336,349, A>G. VCF-style: chr17-31336349-A-G. GRCh37 (hg19) VCF-style: chr17-29663367-A-G.
Other names: c.5960A>G, p.Asp1987Gly (NM_000267.4); short protein forms D1987G, D2008G.
Identifiers: ClinVar variation 950973 (VCV000950973.12), dbSNP rs2069668717, ClinGen allele CA399011029.

ClinVar aggregate classification (germline): Conflicting classifications of pathogenicity. Review status: criteria provided, conflicting classifications (1 of 4 stars). 3 submissions from 3 submitters: Pathogenic (1); Likely pathogenic (1); Uncertain significance (1). Last evaluated 2026-07-29.

Conditions:
Neurofibromatosis, type 1 (NF1). Also called: Peripheral type neurofibromatosis; VON RECKLINGHAUSEN DISEASE; Neurofibromatosis, type I; NEUROFIBROMATOSIS, TYPE I, SOMATIC. Identifiers: Orphanet 636, MedGen C0027831, MONDO:0018975, OMIM 162200. Disease mechanism: loss of function.
Hereditary cancer-predisposing syndrome. Also called: Neoplastic Syndromes, Hereditary; Hereditary Cancer Syndrome; Tumor predisposition; Hereditary neoplastic syndrome. Identifiers: Orphanet 140162, MedGen C0027672, MeSH D009386, MONDO:0015356.
Cardiovascular phenotype. Identifiers: MedGen CN230736.

Submissions (3):

Ambry Genetics
Classification: Uncertain significance for Cardiovascular phenotype; Hereditary cancer-predisposing syndrome. Last evaluated: 2026-07-29. Review status: criteria provided, single submitter. Criteria: Ambry Variant Classification Scheme 2023. Collection method: clinical testing. Allele origin: germline.
Comment: The p.D1987G variant (also known as c.5960A>G), located in coding exon 40 of the NF1 gene, results from an A to G substitution at nucleotide position 5960. The aspartic acid at codon 1987 is replaced by glycine, an amino acid with similar properties. This amino acid position is conserved. In addition, this alteration is predicted to be deleterious by in silico analysis. Based on the available evidence, the clinical significance of this variant remains unclear.

GeneDx
Classification: Likely pathogenic. Last evaluated: 2025-10-31. Review status: criteria provided, single submitter. Criteria: GeneDx Variant Classification Process June 2021. Collection method: clinical testing. Allele origin: germline. Affected: yes.
Comment: Not observed at significant frequency in large population cohorts (gnomAD); In silico analysis supports that this missense variant has a deleterious effect on protein structure/function; Has not been previously published as pathogenic or benign to our knowledge; A different missense change at this residue (p.D1987H, also known as D2008H) has been reported in an individual with NF1 (PMID: 30308447); This variant is associated with the following publications: (PMID: 30308447)

Labcorp Genetics (formerly Invitae), Labcorp
Classification: Pathogenic for Neurofibromatosis, type 1. Last evaluated: 2022-01-19. Review status: criteria provided, single submitter. Criteria: Invitae Variant Classification Sherloc (09022015). Collection method: clinical testing. Allele origin: germline.
Comment: This sequence change replaces aspartic acid, which is acidic and polar, with glycine, which is neutral and non-polar, at codon 1987 of the NF1 protein (p.Asp1987Gly). For these reasons, this variant has been classified as Pathogenic. Advanced modeling of protein sequence and biophysical properties (such as structural, functional, and spatial information, amino acid conservation, physicochemical variation, residue mobility, and thermodynamic stability) performed at Invitae indicates that this missense variant is expected to disrupt NF1 protein function. ClinVar contains an entry for this variant (Variation ID: 950973). This missense change has been observed in individual(s) with suspected neurofibromatosis type 1 (Invitae; External communication). In at least one individual the variant was observed to be de novo. This variant is not present in population databases (gnomAD no frequency).